The following is an entry in ClinVar:

NM_057175.5(NAA15):c.139+1G>A

Gene: NAA15 (N-alpha-acetyltransferase 15, NatA auxiliary subunit; plus strand). Cytogenetic location: 4q31.1.
Variant type: single nucleotide variant.
Coding change: c.139+1G>A on transcript NM_057175.5 (MANE Select); the canonical splice donor site of the intron after coding-DNA position 139, G replaced by A.
Molecular consequence: splice donor variant.
Genome position (GRCh38, 1-based): chr4:139,334,259, G>A. VCF-style: chr4-139334259-G-A. GRCh37 (hg19) VCF-style: chr4-140255413-G-A.
Other names: c.139+1G>A (NM_001410842.1).
Identifiers: ClinVar variation 3359070 (VCV003359070.3).

ClinVar aggregate classification (germline): Pathogenic (1 of 4 stars; one submission).

Conditions:
Intellectual developmental disorder, autosomal dominant 50, with behavioral abnormalities. Also called: Intellectual disability, autosomal dominant 50; MENTAL RETARDATION, AUTOSOMAL DOMINANT 50. Identifiers: MedGen C4540470, MONDO:0030916, OMIM 617787.

Submission:

Institute of Human Genetics, University of Leipzig Medical Center
Classification: Pathogenic for Intellectual developmental disorder, autosomal dominant 50, with behavioral abnormalities. Last evaluated: 2025-04-07. Review status: criteria provided, single submitter. Criteria: ACMG Guidelines, 2015. Collection method: clinical testing. Allele origin: maternal. Inheritance: Autosomal dominant inheritance. Affected: yes.
Comment: Criteria applied: PVS1,PM2